The following is an entry in ClinVar:

ClinVar aggregate classification (germline): Benign/Likely benign. Review status: criteria provided, multiple submitters, no conflicts (2 of 4 stars). 3 submissions from 3 submitters: Benign (1); Likely benign (2). Last evaluated 2025-12-26.

Conditions:
Lethal congenital glycogen storage disease of heart. Also called: GLYCOGEN STORAGE DISEASE OF HEART; PHOSPHORYLASE KINASE DEFICIENCY OF HEART. Identifiers: Orphanet 439854, MedGen C1849813, MONDO:0009867, OMIM 261740.

Allele frequency attached by ClinVar (database versions not stated): gnomAD exomes 0.00006 and 0.00011; TOPMed 0.00007; ExAC 0.00011.
gnomAD v4.1: 106 of 1,609,328 alleles (0.0066%); highest among the groups gnomAD compares: South Asian, 0.084%; no homozygotes.

Submissions (3):

Labcorp Genetics (formerly Invitae), Labcorp
Classification: Likely benign for Lethal congenital glycogen storage disease of heart. Last evaluated: 2025-12-26. Review status: criteria provided, single submitter. Criteria: Invitae Variant Classification Sherloc (09022015). Collection method: clinical testing. Allele origin: germline.

Blueprint Genetics
Classification: Likely benign. Last evaluated: 2024-05-28. Review status: criteria provided, single submitter. Criteria: ACMG Guidelines, 2015. Collection method: clinical testing. Allele origin: germline.

GeneDx
Classification: Benign. Last evaluated: 2014-04-29. Review status: criteria provided, single submitter. Criteria: GeneDx Variant Classification (06012015). Collection method: clinical testing. Allele origin: germline. Affected: yes.
Comment: This variant is considered likely benign or benign based on one or more of the following criteria: it is a conservative change, it occurs at a poorly conserved position in the protein, it is predicted to be benign by multiple in silico algorithms, and/or has population frequency not consistent with disease.

NM_016203.4(PRKAG2):c.1234-17G>A

Gene: PRKAG2 (protein kinase AMP-activated non-catalytic subunit gamma 2; minus strand). Cytogenetic location: 7q36.1.
Variant type: single nucleotide variant.
Coding change: c.1234-17G>A on transcript NM_016203.4 (MANE Select); 17 bases into the intron before coding-DNA position 1234, G replaced by A.
Molecular consequence: intron variant.
Genome position (GRCh38, 1-based): chr7:151,565,902, C>T on the plus strand (G>A on the coding strand, the complement: PRKAG2 is on the minus strand). VCF-style: chr7-151565902-C-T. GRCh37 (hg19) VCF-style: chr7-151262988-C-T.
Other names: c.1102-17G>A (NM_001040633.2); c.859-17G>A (NM_001304527.2); c.862-17G>A (NM_001363698.2); c.511-17G>A (NM_001304531.2, NM_024429.2).
Identifiers: ClinVar variation 138811 (VCV000138811.9), dbSNP rs587781127, ClinGen allele CA013669.
Genomic context (GRCh38, chr7:151,565,902, plus strand): 5'-TCCAGGTTCTGCTTCATGAAGGCAGGCTTTGGCATATCAGACATCTAAACGGAAGATAAA[C>T]GCAAACGTTCTAGACCCAGAACACACTCTTGTCATGTTCAAAGGTCCAGATTTGAATGAA-3'